The following is an entry in ClinVar:

NM_017763.6(RNF43):c.1549C>T (p.Pro517Ser)

Gene: RNF43 (ring finger protein 43; minus strand). Cytogenetic location: 17q22.
Variant type: single nucleotide variant.
Coding change: c.1549C>T on transcript NM_017763.6 (MANE Select); coding-DNA position 1549, C replaced by T.
Protein change: p.Pro517Ser; replaces proline 517 with serine.
Molecular consequence: missense variant.
Genome position (GRCh38, 1-based): chr17:58,358,227, G>A on the plus strand (C>T on the coding strand, the complement: RNF43 is on the minus strand). VCF-style: chr17-58358227-G-A. GRCh37 (hg19) VCF-style: chr17-56435588-G-A.
Other names: c.1549C>T, p.Pro517Ser (NM_001305544.3); c.1168C>T, p.Pro390Ser (NM_001305545.2); short protein forms P390S, P517S.
Identifiers: ClinVar variation 3789920 (VCV003789920.1).
Genomic context (GRCh38, chr17:58,358,227, plus strand): 5'-CCACCGAGTCCAAGGAACGAGGCCGAGAGGTCACACTAGGCTGCATGTCCACTCGCTGGG[G>A]ATCCCCTTTAGGGCTGCAGTACACTAGGGGGTCAAAGTCACTGCTTAGGGAGCTGCAGAA-3'
Protein context (NP_060233.3, residues 507-527): PLVYCSPKGD[Pro517Ser]QRVDMQPSVT

ClinVar aggregate classification (germline): Uncertain significance (1 of 4 stars; one submission).

Submission:

Ambry Genetics
Classification: Uncertain significance. Last evaluated: 2025-01-31. Review status: criteria provided, single submitter. Criteria: Ambry Variant Classification Scheme 2023. Collection method: clinical testing. Allele origin: germline.
Comment: The p.P517S variant (also known as c.1549C>T), located in coding exon 8 of the RNF43 gene, results from a C to T substitution at nucleotide position 1549. The proline at codon 517 is replaced by serine, an amino acid with similar properties. This amino acid position is conserved. In addition, this alteration is predicted to be tolerated by in silico analysis. Based on the available evidence, the clinical significance of this variant remains unclear.